The following is an entry in ClinVar:

NM_000451.4(SHOX):c.320AGGACG[3] (p.Asp110_Gly111insGluAsp)

Genes: SHOX (SHOX homeobox; plus strand), LOC107652445 (meiotic recombination hotspot SHOX; plus strand). Cytogenetic location: Xp22.33.
Variant type: Microsatellite.
Coding change: c.320AGGACG[3] on transcript NM_000451.4 (MANE Select); three copies in a row of the 6-base unit AGGACG starting at c.320; the reference has two copies in a row; one copy, 6 bases duplicated.
Protein change: p.Asp110_Gly111insGluAsp.
Genome position (GRCh38, 1-based): chrX:634,666-634,671, AGGACG duplicated; duplicating any 6 consecutive bases within chrX:634,659-634,671 gives the same sequence; the position shown is the placement nearest the transcript's 3' end. VCF-style (leftmost placement, unchanged base first): chrX-634658-G-GGAGGAC. GRCh37 (hg19) VCF-style: chrX-595393-G-GGAGGAC.
Other names: c.320AGGACG[3], p.Asp110_Gly111insGluAsp (NM_006883.2).
Identifiers: ClinVar variation 3571734 (VCV003571734.1).

ClinVar aggregate classification (germline): Uncertain significance (1 of 4 stars; one submission).

Submission:

Athena Diagnostics
Classification: Uncertain significance. Last evaluated: 2023-11-22. Review status: criteria provided, single submitter. Criteria: Athena Diagnostics Criteria. Collection method: clinical testing. Allele origin: unknown.
Comment: Available data are insufficient to determine the clinical significance of the variant at this time. This variant has not been reported in large, multi-ethnic general populations. Computational tools yielded predictions that this variant is unlikely to have an effect on normal RNA splicing.